The following is an entry in ClinVar:

ClinVar aggregate classification (germline): Uncertain significance (1 of 4 stars; one submission).

Conditions:
Hereditary cancer-predisposing syndrome. Also called: Neoplastic Syndromes, Hereditary; Tumor predisposition; Hereditary neoplastic syndrome; Hereditary Cancer Syndrome. Identifiers: Orphanet 140162, MedGen C0027672, MeSH D009386, MONDO:0015356.

Submission:

Ambry Genetics
Classification: Uncertain significance for Hereditary cancer-predisposing syndrome. Last evaluated: 2023-01-04. Review status: criteria provided, single submitter. Criteria: Ambry Variant Classification Scheme 2023. Collection method: clinical testing. Allele origin: germline.
Comment: The p.G40A variant (also known as c.119G>C), located in coding exon 2 of the POT1 gene, results from a G to C substitution at nucleotide position 119. The glycine at codon 40 is replaced by alanine, an amino acid with similar properties. This amino acid position is conserved. In addition, the in silico prediction for this alteration is inconclusive. Since supporting evidence is limited at this time, the clinical significance of this alteration remains unclear.

NM_015450.3(POT1):c.119G>C (p.Gly40Ala)

Gene: POT1 (protection of telomeres 1; minus strand). Cytogenetic location: 7q31.33.
Variant type: single nucleotide variant.
Coding change: c.119G>C on transcript NM_015450.3 (MANE Select); coding-DNA position 119, G replaced by C.
Protein change: p.Gly40Ala; replaces glycine 40 with alanine.
Molecular consequence: missense variant. On other transcripts: 5 prime UTR variant (1), non-coding transcript variant (3).
Genome position (GRCh38, 1-based): chr7:124,892,271, C>G on the plus strand (G>C on the coding strand, the complement: POT1 is on the minus strand). VCF-style: chr7-124892271-C-G. GRCh37 (hg19) VCF-style: chr7-124532325-C-G.
Other names: c.-144G>C (NM_001042594.2); short protein forms G40A.
Identifiers: ClinVar variation 2450545 (VCV002450545.2), dbSNP rs2116629512, ClinGen allele CA369065948.